The following is an entry in ClinVar:

ClinVar aggregate classification (germline): Uncertain significance (1 of 4 stars; one submission).

Submission:

GeneDx
Classification: Uncertain significance. Last evaluated: 2025-01-05. Review status: criteria provided, single submitter. Criteria: GeneDx Variant Classification Process June 2021. Collection method: clinical testing. Allele origin: germline. Affected: yes.
Comment: Not observed at significant frequency in large population cohorts (gnomAD); In silico analysis indicates that this missense variant does not alter protein structure/function; Has not been previously published as pathogenic or benign to our knowledge

NM_001357.5(DHX9):c.2569A>G (p.Lys857Glu)

Gene: DHX9 (DExH-box helicase 9; plus strand). Cytogenetic location: 1q25.3.
Variant type: single nucleotide variant.
Coding change: c.2569A>G on transcript NM_001357.5 (MANE Select); coding-DNA position 2569, A replaced by G.
Protein change: p.Lys857Glu; replaces lysine 857 with glutamic acid.
Molecular consequence: missense variant. On other transcripts: non-coding transcript variant (1).
Genome position (GRCh38, 1-based): chr1:182,880,553, A>G. VCF-style: chr1-182880553-A-G. GRCh37 (hg19) VCF-style: chr1-182849688-A-G.
Other names: short protein forms K857E.
Identifiers: ClinVar variation 4056038 (VCV004056038.1).